The following is an entry in ClinVar:

NM_138694.4(PKHD1):c.10681A>G (p.Ile3561Val)

Gene: PKHD1 (PKHD1 ciliary IPT domain containing fibrocystin/polyductin; minus strand). Cytogenetic location: 6p12.3.
Variant type: single nucleotide variant.
Coding change: c.10681A>G on transcript NM_138694.4 (MANE Select); coding-DNA position 10681, A replaced by G.
Protein change: p.Ile3561Val; replaces isoleucine 3561 with valine.
Molecular consequence: missense variant.
Genome position (GRCh38, 1-based): chr6:51,659,445, T>C on the plus strand (A>G on the coding strand, the complement: PKHD1 is on the minus strand). VCF-style: chr6-51659445-T-C. GRCh37 (hg19) VCF-style: chr6-51524243-T-C.
Other names: short protein forms I3561V.
Identifiers: ClinVar variation 2593090 (VCV002593090.4), dbSNP rs371571031, ClinGen allele CA3851033.

ClinVar aggregate classification (germline): Uncertain significance. Review status: criteria provided, multiple submitters, no conflicts (2 of 4 stars). 2 submissions from 2 submitters: Uncertain significance (2). Last evaluated 2025-09-28.

Conditions:
Inborn genetic diseases. Identifiers: MedGen C0950123, MeSH D030342.
PKHD1-related disorder. Also called: PKHD1-related condition.

Allele frequency attached by ClinVar (database versions not stated): gnomAD 0.00001; ExAC 0.00002; gnomAD exomes 0.00004; ESP Exome Variant Server 0.00008; TOPMed 0.00001.
gnomAD v4.1: 53 of 1,613,628 alleles (0.0033%); highest among the groups gnomAD compares: Non-Finnish European, 0.0043%; no homozygotes.

Submissions (2):

Ambry Genetics
Classification: Uncertain significance for Inborn genetic diseases. Last evaluated: 2025-09-28. Review status: criteria provided, single submitter. Criteria: Ambry Variant Classification Scheme 2023. Collection method: clinical testing. Allele origin: germline.

PreventionGenetics, part of Exact Sciences
Classification: Uncertain significance for PKHD1-related condition. Last evaluated: 2022-10-24. Review status: criteria provided, single submitter. Criteria: ACMG Guidelines, 2015. Collection method: clinical testing. Allele origin: germline.
Comment: The PKHD1 c.10681A>G variant is predicted to result in the amino acid substitution p.Ile3561Val. To our knowledge, this variant has not been reported in the literature. This variant is reported in 0.0080% of alleles in individuals of European (Non-Finnish) descent in gnomAD. At this time, the clinical significance of this variant is uncertain due to the absence of conclusive functional and genetic evidence.